The following is an entry in ClinVar:

ClinVar aggregate classification (germline): Uncertain significance (0 of 4 stars; one submission).

Conditions:
ALMS1-related disorder. Also called: ALMS1-related condition.

Submission:

PreventionGenetics, part of Exact Sciences
Classification: Uncertain significance for ALMS1-related condition. Last evaluated: 2024-07-31. Review status: no assertion criteria provided. Collection method: clinical testing. Allele origin: germline.
Comment: The ALMS1 c.11608A>T variant is predicted to result in the amino acid substitution p.Asn3870Tyr. To our knowledge, this variant has not been reported in the literature. This variant is reported in 0.021% of alleles in individuals of African descent in gnomAD. At this time, the clinical significance of this variant is uncertain due to the absence of conclusive functional and genetic evidence.

NM_001378454.1(ALMS1):c.11605A>T (p.Ser3869Cys)

Gene: ALMS1 (ALMS1 centrosome and basal body associated protein; plus strand). Cytogenetic location: 2p13.1.
Variant type: single nucleotide variant.
Coding change: c.11605A>T on transcript NM_001378454.1 (MANE Select); coding-DNA position 11605, A replaced by T.
Protein change: p.Ser3869Cys; replaces serine 3869 with cysteine.
Molecular consequence: missense variant.
Genome position (GRCh38, 1-based): chr2:73,599,458, A>T. VCF-style: chr2-73599458-A-T. GRCh37 (hg19) VCF-style: chr2-73826585-A-T.
Other names: c.11608A>T, p.Ser3870Cys (NM_015120.4); short protein forms S3870C, S3869C.
Identifiers: ClinVar variation 337033 (VCV000337033.6), dbSNP rs886056318, ClinGen allele CA10613955.